The following is an entry in ClinVar:

ClinVar aggregate classification (germline): Conflicting classifications of pathogenicity. Review status: criteria provided, conflicting classifications (1 of 4 stars). 8 submissions from 8 submitters: Pathogenic (2); Likely pathogenic (5); Uncertain significance (1). Last evaluated 2026-01-09.

Conditions:
Morquio syndrome. Also called: Mucopolysaccharidosis, Type IV; MPS IV; Mucopolysaccharidosis type 4; Eccentrochondrodysplasia. Identifiers: Orphanet 582, MedGen C0026707, MONDO:0018938.
Mucopolysaccharidosis, MPS-IV-A (MPS4A). Also called: MPS IVA; Mucopolysaccharidosis Type IVA; Morquio syndrome A, mild; MORQUIO A DISEASE; mucopolysaccharidosis type 4A; Mucopolysaccharidosis type IV A. Identifiers: Orphanet 309297, Orphanet 582, MedGen C0086651, MONDO:0009659, OMIM 253000.

Allele frequency attached by ClinVar (database versions not stated): ExAC 0.00001; TOPMed 0.00002; ESP Exome Variant Server 0.00008; gnomAD exomes 0.00001; gnomAD 0.00002.
gnomAD v4.1: 16 of 1,611,214 alleles (0.00099%); highest among the groups gnomAD compares: African/African-American, 0.0027%; no homozygotes.

Submissions (8):

Labcorp Genetics (formerly Invitae), Labcorp
Classification: Pathogenic for Mucopolysaccharidosis, MPS-IV-A. Last evaluated: 2026-01-09. Review status: criteria provided, single submitter. Criteria: Invitae Variant Classification Sherloc (09022015). Collection method: clinical testing. Allele origin: germline.
Comment: This sequence change replaces serine, which is neutral and polar, with leucine, which is neutral and non-polar, at codon 82 of the GALNS protein (p.Ser82Leu). This variant is present in population databases (rs371429653, gnomAD 0.003%). This missense change has been observed in individual(s) with mucopolysaccharidosis type IVA (PMID: 20574428, 23876334). ClinVar contains an entry for this variant (Variation ID: 93175). An algorithm developed to predict the effect of missense changes on protein structure and function (PolyPhen-2) suggests that this variant is likely to be disruptive. For these reasons, this variant has been classified as Pathogenic.

Genomic Medicine Center of Excellence, King Faisal Specialist Hospital and Research Centre
Classification: Likely pathogenic for Mucopolysaccharidosis, MPS-IV-A. Last evaluated: 2024-03-14. Review status: criteria provided, single submitter. Criteria: ACMG Guidelines, 2015. Collection method: research. Allele origin: germline.

Women's Health and Genetics/Laboratory Corporation of America, LabCorp
Classification: Likely pathogenic for Morquio syndrome. Last evaluated: 2022-06-03. Review status: criteria provided, single submitter. Criteria: LabCorp Variant Classification Summary - May 2015. Collection method: clinical testing. Allele origin: germline.
Comment: Variant summary: GALNS c.245C>T (p.Ser82Leu) results in a non-conservative amino acid change located in the Sulfatase, N-terminal domain (IPR000917) of the encoded protein sequence. Five of five in-silico tools predict a damaging effect of the variant on protein function. 4/4 computational tools predict no significant impact on normal splicing, however, these predictions have yet to be confirmed by functional studies. The variant allele was found at a frequency of 1.2e-05 in 242556 control chromosomes (gnomAD). c.245C>T has been reported in the literature in compound heterozygous and homozygous individuals affected with Mucopolysaccharidosis Type IVA (Morquio Syndrome A, e.g. Wang_2010, Dung_2013, Bidchol_2014). These data indicate that the variant is likely to be associated with disease. To our knowledge, no experimental evidence demonstrating an impact on protein function has been reported. Five ClinVar submitters have assessed the variant since 2014: one classified the variant as VUS, two as likely pathogenic, and two as pathogenic. Based on the evidence outlined above, the variant was classified as likely pathogenic.

Genome-Nilou Lab
Classification: Likely pathogenic for Mucopolysaccharidosis, MPS-IV-A. Last evaluated: 2021-11-07. Review status: criteria provided, single submitter. Criteria: ACMG Guidelines, 2015. Collection method: clinical testing. Allele origin: germline. Affected: no.

Centre for Inherited Metabolic Diseases, Karolinska University Hospital
Classification: Pathogenic for Mucopolysaccharidosis, MPS-IV-A. Last evaluated: 2021-03-19. Review status: criteria provided, single submitter. Criteria: ACMG Guidelines, 2015. Collection method: clinical testing. Allele origin: germline. Inheritance: Autosomal recessive inheritance. Affected: yes. Observed: 1 homozygote.

Laboratory of Diagnosis and Therapy of Lysosomal Disorders, University of Padova
Classification: Likely pathogenic for Mucopolysaccharidosis, MPS-IV-A. Last evaluated: 2021-02-01. Review status: criteria provided, single submitter. Criteria: ACMG Guidelines, 2015. Collection method: research. Allele origin: germline. Affected: yes.
Comment: In vivo functional studies supportive of a damaging effect on the gene product (low to null enzymatic activity in homozygotes; PS3_supporting); the prevalence of the variant in affected individuals is significantly increased compared with the prevalence in controls (PS4_strong); absent from gnomAD v2.1.1 (PM2_moderate); multiple lines of computational evidence support a deleterious effect on the gene (PP3_supporting)

Eurofins Ntd Llc (ga)
Classification: Uncertain significance. Last evaluated: 2015-01-05. Review status: criteria provided, single submitter. Criteria: EGL Classification Definitions 2015. Collection method: clinical testing. Allele origin: germline. Observed: 2 variant alleles, 2 heterozygotes.

Neuberg Centre For Genomic Medicine, NCGM
Classification: Likely pathogenic for Mucopolysaccharidosis, MPS-IV-A. Review status: criteria provided, single submitter. Criteria: ACMG Guidelines, 2015. Collection method: clinical testing. Allele origin: germline. Inheritance: Autosomal recessive inheritance. Affected: yes.
Comment: The missense c.245C>T(p.Ser82Leu) variant, lying in splice region of GALNS gene has been reported previously in compound heterozygous and homozygous states in multiple individuals affected with Mucopolysaccharidosis IVA (Dũng VC, et. al., 2013; Zanetti et. al., 2021; Stranneheim et. al., 2021). This p.Ser82Leu variant is present with an allele frequency of 0.001% in gnomAD Exomes. This variant has been reported to the ClinVar database as Uncertain Significance / Pathogenic / Likely pathogenic. Multiple lines of computational evidence (Polyphen - Probably Damaging , SIFT - Damaging and MutationTaster - Disease causing) predict damaging effect on protein structure and function for this variant. The reference amino acid at this position on GALNS gene is predicted as conserved by GERP++ and PhyloP across 100 vertebrates. The amino acid Ser at position 82 is changed to a Leu changing protein sequence and it might alter its composition and physico-chemical properties. However, functional studies are required to prove the pathogenicity of this variant conclusively. For these reasons, this variant has been classified as Likely Pathogenic.

Literature cited by the submitters: PubMed 20574428 (cited by 3 submitters); PubMed 23876334 (cited by 4 submitters); PubMed 25252036 (cited by Women's Health and Genetics/Laboratory Corporation of America, LabCorp and Laboratory of Diagnosis and Therapy of Lysosomal Disorders, University of Padova); PubMed 33726816 (cited by Women's Health and Genetics/Laboratory Corporation of America, LabCorp); PubMed 34387910 (cited by Laboratory of Diagnosis and Therapy of Lysosomal Disorders, University of Padova).

NM_000512.5(GALNS):c.245C>T (p.Ser82Leu)

Gene: GALNS (galactosamine (N-acetyl)-6-sulfatase; minus strand). Cytogenetic location: 16q24.3.
Variant type: single nucleotide variant.
Coding change: c.245C>T on transcript NM_000512.5 (MANE Select); coding-DNA position 245, C replaced by T.
Protein change: p.Ser82Leu; replaces serine 82 with leucine.
Molecular consequence: missense variant. On other transcripts: 5 prime UTR variant (1).
Genome position (GRCh38, 1-based): chr16:88,841,971, G>A on the plus strand (C>T on the coding strand, the complement: GALNS is on the minus strand). VCF-style: chr16-88841971-G-A. GRCh37 (hg19) VCF-style: chr16-88908379-G-A.
Other names: c.-311C>T (NM_001323543.2); c.263C>T, p.Ser88Leu (NM_001323544.2); short protein forms S82L, S88L.
Identifiers: ClinVar variation 93175 (VCV000093175.23), dbSNP rs371429653, ClinGen allele CA221053.